The following is an entry in ClinVar:

NM_004304.5(ALK):c.1710G>T (p.Glu570Asp)

Gene: ALK (ALK receptor tyrosine kinase; minus strand). Cytogenetic location: 2p23.2.
Variant type: single nucleotide variant.
Coding change: c.1710G>T on transcript NM_004304.5 (MANE Select); coding-DNA position 1710, G replaced by T.
Protein change: p.Glu570Asp; replaces glutamic acid 570 with aspartic acid.
Molecular consequence: missense variant.
Genome position (GRCh38, 1-based): chr2:29,296,995, C>A on the plus strand (G>T on the coding strand, the complement: ALK is on the minus strand). VCF-style: chr2-29296995-C-A. GRCh37 (hg19) VCF-style: chr2-29519861-C-A.
Other names: c.1710G>T (NM_004304.4); short protein forms E570D.
Identifiers: ClinVar variation 1053777 (VCV001053777.10), dbSNP rs751328130, ClinGen allele CA346466402.

ClinVar aggregate classification (germline): Uncertain significance. Review status: criteria provided, multiple submitters, no conflicts (2 of 4 stars). 2 submissions from 2 submitters: Uncertain significance (2). Last evaluated 2023-06-01.

Conditions:
Hereditary cancer-predisposing syndrome. Also called: Hereditary Cancer Syndrome; Tumor predisposition; Hereditary neoplastic syndrome; Neoplastic Syndromes, Hereditary. Identifiers: Orphanet 140162, MedGen C0027672, MeSH D009386, MONDO:0015356.
Neuroblastoma, susceptibility to, 3. Also called: ALK-Related Neuroblastic Tumor Susceptibility. Identifiers: Orphanet 635, MedGen C2751681, MONDO:0013083, OMIM 613014.

Submissions (2):

Ambry Genetics
Classification: Uncertain significance for Hereditary cancer-predisposing syndrome. Last evaluated: 2023-06-01. Review status: criteria provided, single submitter. Criteria: Ambry Variant Classification Scheme 2023. Collection method: clinical testing. Allele origin: germline.
Comment: The p.E570D variant (also known as c.1710G>T), located in coding exon 9 of the ALK gene, results from a G to T substitution at nucleotide position 1710. The glutamic acid at codon 570 is replaced by aspartic acid, an amino acid with highly similar properties. This amino acid position is conserved. In addition, this alteration is predicted to be tolerated by in silico analysis. Since supporting evidence is limited at this time, the clinical significance of this alteration remains unclear.

Labcorp Genetics (formerly Invitae), Labcorp
Classification: Uncertain significance for Neuroblastoma, susceptibility to, 3. Last evaluated: 2021-03-06. Review status: criteria provided, single submitter. Criteria: Invitae Variant Classification Sherloc (09022015). Collection method: clinical testing. Allele origin: germline.
Comment: This sequence change replaces glutamic acid with aspartic acid at codon 570 of the ALK protein (p.Glu570Asp). The glutamic acid residue is highly conserved and there is a small physicochemical difference between glutamic acid and aspartic acid. This variant is not present in population databases (ExAC no frequency). This variant has not been reported in the literature in individuals with ALK-related conditions. Algorithms developed to predict the effect of missense changes on protein structure and function (SIFT, PolyPhen-2, Align-GVGD) all suggest that this variant is likely to be disruptive, but these predictions have not been confirmed by published functional studies and their clinical significance is uncertain. In summary, the available evidence is currently insufficient to determine the role of this variant in disease. Therefore, it has been classified as a Variant of Uncertain Significance.